The following is an entry in ClinVar:

ClinVar aggregate classification (germline): Uncertain significance (1 of 4 stars; one submission).

Conditions:
Gorlin syndrome. Also called: Nevoid Basal Cell Carcinoma Syndrome; Basal cell nevus syndrome. Identifiers: Orphanet 377, MedGen C0004779, MONDO:0007187.

Submission:

Labcorp Genetics (formerly Invitae), Labcorp
Classification: Uncertain significance for Gorlin syndrome. Last evaluated: 2025-12-19. Review status: criteria provided, single submitter. Criteria: Invitae Variant Classification Sherloc (09022015). Collection method: clinical testing. Allele origin: germline.
Comment: This sequence change replaces leucine, which is neutral and non-polar, with valine, which is neutral and non-polar, at codon 775 of the PTCH1 protein (p.Leu775Val). This variant is not present in population databases (gnomAD no frequency). This variant has not been reported in the literature in individuals affected with PTCH1-related conditions. Invitae Evidence Modeling of protein sequence and biophysical properties (such as structural, functional, and spatial information, amino acid conservation, physicochemical variation, residue mobility, and thermodynamic stability) has been performed for this missense variant. However, the output from this modeling did not meet the statistical confidence thresholds required to predict the impact of this variant on PTCH1 protein function. In summary, the available evidence is currently insufficient to determine the role of this variant in disease. Therefore, it has been classified as a Variant of Uncertain Significance.

NM_000264.5(PTCH1):c.2323C>G (p.Leu775Val)

Genes: PTCH1 (patched 1; minus strand), LOC100507346 (uncharacterized LOC100507346; plus strand). Cytogenetic location: 9q22.32.
Variant type: single nucleotide variant.
Coding change: c.2323C>G on transcript NM_000264.5 (MANE Select); coding-DNA position 2323, C replaced by G.
Protein change: p.Leu775Val; replaces leucine 775 with valine.
Molecular consequence: missense variant. On other transcripts: non-coding transcript variant (1).
Genome position (GRCh38, 1-based): chr9:95,467,353, G>C on the plus strand (C>G on the coding strand, the complement: PTCH1 is on the minus strand). VCF-style: chr9-95467353-G-C. GRCh37 (hg19) VCF-style: chr9-98229635-G-C.
Other names: c.2125C>G, p.Leu709Val (NM_001083602.3); c.2320C>G, p.Leu774Val (NM_001083603.3); c.1870C>G, p.Leu624Val (NM_001083604.3, NM_001083605.3, NM_001083606.3 and 1 more transcripts); c.2167C>G, p.Leu723Val (NM_001354918.2); short protein forms L624V, L709V, L723V, L774V, L775V.
Identifiers: ClinVar variation 4801802 (VCV004801802.1).